The following is an entry in ClinVar:

NM_004727.3(SLC24A1):c.2981C>A (p.Ala994Asp)

Gene: SLC24A1 (solute carrier family 24 member 1; plus strand). Cytogenetic location: 15q22.31.
Variant type: single nucleotide variant.
Coding change: c.2981C>A on transcript NM_004727.3 (MANE Select); coding-DNA position 2981, C replaced by A.
Protein change: p.Ala994Asp; replaces alanine 994 with aspartic acid.
Molecular consequence: missense variant.
Genome position (GRCh38, 1-based): chr15:65,652,739, C>A. VCF-style: chr15-65652739-C-A. GRCh37 (hg19) VCF-style: chr15-65945077-C-A.
Other names: c.962C>A, p.Ala321Asp (NM_001254740.2); c.2891C>A, p.Ala964Asp (NM_001301031.1); c.2927C>A, p.Ala976Asp (NM_001301032.1, NM_001301033.2); c.2639C>A, p.Ala880Asp (NM_001411142.1); short protein forms A976D, A321D, A964D, A880D, A994D.
Identifiers: ClinVar variation 4839715 (VCV004839715.2).
Genomic context (GRCh38, chr15:65,652,739, plus strand): 5'-GCCTGACAATCCTTGCAGCAGGCACATCAATTCCTGACCTCATCACCAGTGTGATTGTCG[C>A]TCGAAAAGGCCTGGGAGACATGGCTGTGTCAAGCTCTGTGGGCAGTAACATATTTGATAT-3'
Protein context (NP_004718.1, residues 984-1004): IPDLITSVIV[Ala994Asp]RKGLGDMAVS

ClinVar aggregate classification (germline): Uncertain significance. Review status: criteria provided, multiple submitters, no conflicts (2 of 4 stars). 2 submissions from 2 submitters: Uncertain significance (2). Last evaluated 2026-08-03.

Conditions:
SLC24A1-related disorder. Also called: SLC24A1-related condition.
Inborn genetic diseases. Identifiers: MedGen C0950123, MeSH D030342.

gnomAD v4.1: 1 of 1,613,728 alleles (0.000062%); highest among the groups gnomAD compares: Non-Finnish European, 0.000085%; no homozygotes.

Submissions (2):

PreventionGenetics, part of Exact Sciences
Classification: Uncertain significance for SLC24A1-related condition. Last evaluated: 2026-08-03. Review status: criteria provided, single submitter. Criteria: ACMG Guidelines, 2015. Collection method: clinical testing. Allele origin: germline.
Comment: The SLC24A1 c.2981C>A variant is predicted to result in the amino acid substitution p.Ala994Asp. To our knowledge, this variant has not been reported in the literature. This variant is reported in 0.0016% of alleles in individuals of European (Non-Finnish) descent in gnomAD. At this time, the clinical significance of this variant is uncertain due to the absence of conclusive functional and genetic evidence.

Ambry Genetics
Classification: Uncertain significance for Inborn genetic diseases. Last evaluated: 2026-01-25. Review status: criteria provided, single submitter. Criteria: Ambry Variant Classification Scheme 2023. Collection method: clinical testing. Allele origin: germline.